The following is an entry in ClinVar:

ClinVar aggregate classification (germline): Likely benign (1 of 4 stars; one submission).

gnomAD v4.1: 368 of 1,576,752 alleles (0.023%); highest among the groups gnomAD compares: African/African-American, 0.46%; 1 homozygote.

Submission:

CeGaT Center for Human Genetics Tuebingen
Classification: Likely benign. Last evaluated: 2025-11-01. Review status: criteria provided, single submitter. Criteria: CeGaT Center For Human Genetics Tuebingen Variant Classification Criteria Version 2. Collection method: clinical testing. Allele origin: germline. Affected: yes. Observed: 1 variant allele.
Comment: NCKAP1: BP4, BP7

NM_013436.5(NCKAP1):c.93C>T (p.Leu31=)

Gene: NCKAP1 (NCK associated protein 1; minus strand). Cytogenetic location: 2q32.1.
Variant type: single nucleotide variant.
Coding change: c.93C>T on transcript NM_013436.5 (MANE Select); coding-DNA position 93, C replaced by T.
Protein change: p.Leu31=; no amino-acid change (leucine 31 retained).
Molecular consequence: synonymous variant.
Genome position (GRCh38, 1-based): chr2:183,038,007, G>A on the plus strand (C>T on the coding strand, the complement: NCKAP1 is on the minus strand). VCF-style: chr2-183038007-G-A. GRCh37 (hg19) VCF-style: chr2-183902735-G-A.
Other names: c.93C>T, p.Leu31= (NM_001437266.1, NM_001437267.1, NM_205842.3).
Identifiers: ClinVar variation 4534473 (VCV004534473.6).